The following is an entry in ClinVar:

ClinVar aggregate classification (germline): Uncertain significance (1 of 4 stars; one submission).

Conditions:
Heterotopia, periventricular, X-linked dominant (PVNH1). Also called: PERIVENTRICULAR NODULAR HETEROTOPIA 4; HETEROTOPIA, PERIVENTRICULAR, 1; PERIVENTRICULAR NODULAR HETEROTOPIA 1; X-linked periventricular heterotopia. Identifiers: Orphanet 2149, Orphanet 82004, MedGen C1848213, MONDO:0010233, OMIM 300049.
Oto-palato-digital syndrome, type II (OPD2). Also called: Otopalatodigital Syndrome, Type II; FACIOPALATOOSSEOUS SYNDROME; OPD II SYNDROME; Otopalatodigital Syndrome Type 2 (FLNA-OPD2). Identifiers: Orphanet 669, Orphanet 90652, MedGen C1844696, MONDO:0010571, OMIM 304120.
Melnick-Needles syndrome (MNS). Also called: MELNICK-NEEDLES OSTEODYSPLASTY; OSTEODYSPLASTY OF MELNICK AND NEEDLES; Melnick-Needles Syndrome (FLNA-MNS). Identifiers: Orphanet 2484, MedGen C0025237, MONDO:0010650, OMIM 309350.
Frontometaphyseal dysplasia (FMD1). Identifiers: Orphanet 1826, MedGen C0265293, MONDO:0015942.

gnomAD v4.1: 1 of 1,206,226 alleles (0.000083%); highest among the groups gnomAD compares: Non-Finnish European, 0.00011%; no homozygotes.

Submission:

Labcorp Genetics (formerly Invitae), Labcorp
Classification: Uncertain significance for Oto-palato-digital syndrome, type II; Heterotopia, periventricular, X-linked dominant; Frontometaphyseal dysplasia; Melnick-Needles syndrome. Last evaluated: 2025-07-30. Review status: criteria provided, single submitter. Criteria: Invitae Variant Classification Sherloc (09022015). Collection method: clinical testing. Allele origin: germline.
Comment: This sequence change replaces threonine, which is neutral and polar, with isoleucine, which is neutral and non-polar, at codon 1754 of the FLNA protein (p.Thr1754Ile). This variant is not present in population databases (gnomAD no frequency). This variant has not been reported in the literature in individuals affected with FLNA-related conditions. Invitae Evidence Modeling of protein sequence and biophysical properties (such as structural, functional, and spatial information, amino acid conservation, physicochemical variation, residue mobility, and thermodynamic stability) indicates that this missense variant is not expected to disrupt FLNA protein function with a negative predictive value of 95%. In summary, the available evidence is currently insufficient to determine the role of this variant in disease. Therefore, it has been classified as a Variant of Uncertain Significance.

NM_001110556.2(FLNA):c.5285C>T (p.Thr1762Ile)

Gene: FLNA (filamin A; minus strand). Cytogenetic location: Xq28.
Variant type: single nucleotide variant.
Coding change: c.5285C>T on transcript NM_001110556.2 (MANE Select); coding-DNA position 5285, C replaced by T.
Protein change: p.Thr1762Ile; replaces threonine 1762 with isoleucine.
Molecular consequence: missense variant.
Genome position (GRCh38, 1-based): chrX:154,354,644, G>A on the plus strand (C>T on the coding strand, the complement: FLNA is on the minus strand). VCF-style: chrX-154354644-G-A. GRCh37 (hg19) VCF-style: chrX-153583012-G-A.
Other names: c.5261C>T, p.Thr1754Ile (NM_001456.4); short protein forms T1762I, T1754I.
Identifiers: ClinVar variation 4791180 (VCV004791180.1).
Genomic context (GRCh38, chrX:154,354,644, plus strand): 5'-AGCCCCAGTGTCCCTAGCTGGCCAGGCCGTACCCAAGTCTGCTGGCCGCCCTGGGCGTAG[G>A]TGTACTGTGGGGCCAGCTGCTGAGACCGTAGAGGGGGCTGCACCGAGGGCTGGTCCCCAG-3'
Protein context (NP_001104026.1, residues 1752-1772): LRSQQLAPQY[Thr1762Ile]YAQGGQQTWA